The following is an entry in ClinVar:

ClinVar aggregate classification (germline): Uncertain significance (1 of 4 stars; one submission).

Submission:

Labcorp Genetics (formerly Invitae), Labcorp
Classification: Uncertain significance. Last evaluated: 2025-09-25. Review status: criteria provided, single submitter. Criteria: Invitae Variant Classification Sherloc (09022015). Collection method: clinical testing. Allele origin: germline.
Comment: This sequence change replaces glutamic acid, which is acidic and polar, with lysine, which is basic and polar, at codon 321 of the AP2M1 protein (p.Glu321Lys). This variant is not present in population databases (gnomAD no frequency). This variant has not been reported in the literature in individuals affected with AP2M1-related conditions. ClinVar contains an entry for this variant (Variation ID: 2857686). An algorithm developed to predict the effect of missense changes on protein structure and function (PolyPhen-2) suggests that this variant is likely to be disruptive. In summary, the available evidence is currently insufficient to determine the role of this variant in disease. Therefore, it has been classified as a Variant of Uncertain Significance.

NM_004068.4(AP2M1):c.961G>A (p.Glu321Lys)

Gene: AP2M1 (adaptor related protein complex 2 subunit mu 1; plus strand). Cytogenetic location: 3q27.1.
Variant type: single nucleotide variant.
Coding change: c.961G>A on transcript NM_004068.4 (MANE Select); coding-DNA position 961, G replaced by A.
Protein change: p.Glu321Lys; replaces glutamic acid 321 with lysine.
Molecular consequence: missense variant.
Genome position (GRCh38, 1-based): chr3:184,182,045, G>A. VCF-style: chr3-184182045-G-A. GRCh37 (hg19) VCF-style: chr3-183899833-G-A.
Other names: c.955G>A, p.Glu319Lys (NM_001025205.2); c.1036G>A, p.Glu346Lys (NM_001311198.2); short protein forms E319K, E321K, E346K.
Identifiers: ClinVar variation 2857686 (VCV002857686.3), dbSNP rs2473725893, ClinGen allele CA355428529.